The following is an entry in ClinVar:

ClinVar aggregate classification (germline): Uncertain significance. Review status: criteria provided, multiple submitters, no conflicts (2 of 4 stars). 2 submissions from 2 submitters: Uncertain significance (2). Last evaluated 2024-04-04.

Conditions:
Cohen syndrome (COH1). Also called: PEPPER SYNDROME; Cutis verticis gyrata, retinitis pigmentosa, and sensorineural deafness. Identifiers: Orphanet 193, MedGen C0265223, MONDO:0008999, OMIM 216550.

Submissions (2):

Fulgent Genetics
Classification: Uncertain significance for Cohen syndrome. Last evaluated: 2024-04-04. Review status: criteria provided, single submitter. Criteria: ACMG Guidelines, 2015. Collection method: clinical testing. Allele origin: germline.

Labcorp Genetics (formerly Invitae), Labcorp
Classification: Uncertain significance for Cohen syndrome. Last evaluated: 2022-06-26. Review status: criteria provided, single submitter. Criteria: Invitae Variant Classification Sherloc (09022015). Collection method: clinical testing. Allele origin: germline.
Comment: This sequence change replaces threonine, which is neutral and polar, with isoleucine, which is neutral and non-polar, at codon 3780 of the VPS13B protein (p.Thr3780Ile). This variant is not present in population databases (gnomAD no frequency). This variant has not been reported in the literature in individuals affected with VPS13B-related conditions. Algorithms developed to predict the effect of missense changes on protein structure and function are either unavailable or do not agree on the potential impact of this missense change (SIFT: "Not Available"; PolyPhen-2: "Benign"; Align-GVGD: "Not Available"). In summary, the available evidence is currently insufficient to determine the role of this variant in disease. Therefore, it has been classified as a Variant of Uncertain Significance.

NM_152564.5(VPS13B):c.11264C>T (p.Thr3755Ile)

Gene: VPS13B (vacuolar protein sorting 13 homolog B; plus strand). Cytogenetic location: 8q22.2.
Variant type: single nucleotide variant.
Coding change: c.11264C>T on transcript NM_152564.5 (MANE Select); coding-DNA position 11264, C replaced by T.
Protein change: p.Thr3755Ile; replaces threonine 3755 with isoleucine.
Molecular consequence: missense variant.
Genome position (GRCh38, 1-based): chr8:99,868,337, C>T. VCF-style: chr8-99868337-C-T. GRCh37 (hg19) VCF-style: chr8-100880565-C-T.
Other names: c.11339C>T, p.Thr3780Ile (NM_017890.5); short protein forms T3780I, T3755I.
Identifiers: ClinVar variation 2010946 (VCV002010946.2), dbSNP rs2492346657, ClinGen allele CA371791902.